The following is an entry in ClinVar:

NM_003265.3(TLR3):c.1864A>G (p.Ile622Val)

Gene: TLR3 (toll like receptor 3; plus strand). Cytogenetic location: 4q35.1.
Variant type: single nucleotide variant.
Coding change: c.1864A>G on transcript NM_003265.3 (MANE Select); coding-DNA position 1864, A replaced by G.
Protein change: p.Ile622Val; replaces isoleucine 622 with valine.
Molecular consequence: missense variant.
Genome position (GRCh38, 1-based): chr4:186,083,550, A>G. VCF-style: chr4-186083550-A-G. GRCh37 (hg19) VCF-style: chr4-187004704-A-G.
Other names: short protein forms I622V.
Identifiers: ClinVar variation 1525835 (VCV001525835.8), dbSNP rs2150068051, ClinGen allele CA358934415.

ClinVar aggregate classification (germline): Uncertain significance (1 of 4 stars; one submission).

Conditions:
Encephalopathy, acute, infection-induced (herpes-specific), susceptibility to, 1. Also called: Herpes simplex encephalitis, susceptibility to, 1. Identifiers: Orphanet 1930, MedGen C2750180, MONDO:0024563, OMIM 610551.

Submission:

Labcorp Genetics (formerly Invitae), Labcorp
Classification: Uncertain significance for Encephalopathy, acute, infection-induced (herpes-specific), susceptibility to, 1. Last evaluated: 2020-11-06. Review status: criteria provided, single submitter. Criteria: Invitae Variant Classification Sherloc (09022015). Collection method: clinical testing. Allele origin: germline.
Comment: In summary, the available evidence is currently insufficient to determine the role of this variant in disease. Therefore, it has been classified as a Variant of Uncertain Significance. Algorithms developed to predict the effect of missense changes on protein structure and function (SIFT, PolyPhen-2, Align-GVGD) all suggest that this variant is likely to be tolerated, but these predictions have not been confirmed by published functional studies and their clinical significance is uncertain. This variant has not been reported in the literature in individuals with TLR3-related conditions. This variant is not present in population databases (ExAC no frequency). This sequence change replaces isoleucine with valine at codon 622 of the TLR3 protein (p.Ile622Val). The isoleucine residue is highly conserved and there is a small physicochemical difference between isoleucine and valine.